The following is an entry in ClinVar:

NM_002294.3(LAMP2):c.973dup (p.Leu325fs)

Gene: LAMP2 (lysosome associated membrane protein 2; minus strand). Cytogenetic location: Xq24.
Variant type: Duplication.
Coding change: c.973dup on transcript NM_002294.3 (MANE Select); coding-DNA position 973, one base duplicated (C; older notation c.973dupC).
Protein change: p.Leu325fs; shifts the reading frame from leucine 325.
Molecular consequence: frameshift variant.
Genome position (GRCh38, 1-based): chrX:120,441,850, G duplicated on the plus strand (C on the coding strand, the reverse complement: LAMP2 is on the minus strand); the first of 6 consecutive G bases (chrX:120,441,850-120,441,855); duplicating any one gives the same sequence. VCF-style (leftmost placement, unchanged base first): chrX-120441849-A-AG. GRCh37 (hg19) VCF-style: chrX-119575704-A-AG.
Other names: c.973dupC (NM_002294.2); c.973dup, p.Leu325fs (NM_001122606.1, NM_013995.2); short protein forms L325fs.
Identifiers: ClinVar variation 409224 (VCV000409224.11), dbSNP rs1556092459, ClinGen allele CA16616612.

ClinVar aggregate classification (germline): Pathogenic. Review status: criteria provided, multiple submitters, no conflicts (2 of 4 stars). 2 submissions from 2 submitters: Pathogenic (2). Last evaluated 2024-02-22.

Conditions:
LAMP2-related disorders.
Danon disease. Also called: PSEUDOGLYCOGENOSIS II; GSD IIb; LYSOSOMAL GLYCOGEN STORAGE DISEASE WITHOUT ACID MALTASE DEFICIENCY; ANTOPOL DISEASE; Glycogen Storage Disease Type IIb. Identifiers: Orphanet 34587, MedGen C0878677, MONDO:0010281, OMIM 300257.

Submissions (2):

Labcorp Genetics (formerly Invitae), Labcorp
Classification: Pathogenic for Danon disease. Last evaluated: 2024-02-22. Review status: criteria provided, single submitter. Criteria: Invitae Variant Classification Sherloc (09022015). Collection method: clinical testing. Allele origin: germline.
Comment: This sequence change creates a premature translational stop signal (p.Leu325Profs*25) in the LAMP2 gene. It is expected to result in an absent or disrupted protein product. Loss-of-function variants in LAMP2 are known to be pathogenic (PMID: 21415759). This variant is not present in population databases (gnomAD no frequency). This premature translational stop signal has been observed in individual(s) with Danon disease (PMID: 27179547). This variant is also known as c.973insC. ClinVar contains an entry for this variant (Variation ID: 409224). For these reasons, this variant has been classified as Pathogenic.

Blueprint Genetics
Classification: Pathogenic for LAMP2-related disorders. Last evaluated: 2022-12-05. Review status: criteria provided, single submitter. Criteria: ACMG Guidelines, 2015. Collection method: clinical testing. Allele origin: germline. Affected: yes. Observed: 3 variant alleles.

Literature cited by the submitters: PubMed 21415759 (cited by Labcorp Genetics (formerly Invitae), Labcorp); PubMed 27179547 (cited by Labcorp Genetics (formerly Invitae), Labcorp).